The following is an entry in ClinVar:

NM_000245.4(MET):c.2335G>A (p.Val779Met)

Gene: MET (MET proto-oncogene, receptor tyrosine kinase; plus strand). Cytogenetic location: 7q31.2.
Variant type: single nucleotide variant.
Coding change: c.2335G>A on transcript NM_000245.4 (MANE Select); coding-DNA position 2335, G replaced by A.
Protein change: p.Val779Met; replaces valine 779 with methionine.
Molecular consequence: missense variant.
Genome position (GRCh38, 1-based): chr7:116,759,461, G>A. VCF-style: chr7-116759461-G-A. GRCh37 (hg19) VCF-style: chr7-116399515-G-A.
Other names: c.2389G>A, p.Val797Met (NM_001127500.3); c.2335G>A, p.Val779Met (NM_001324401.3); c.1045G>A, p.Val349Met (NM_001324402.2); short protein forms V797M, V779M, V349M.
Identifiers: ClinVar variation 566229 (VCV000566229.14), dbSNP rs1562923583, ClinGen allele CA368982426.

ClinVar aggregate classification (germline): Uncertain significance. Review status: criteria provided, multiple submitters, no conflicts (2 of 4 stars). 2 submissions from 2 submitters: Uncertain significance (2). Last evaluated 2024-08-27.

Conditions:
Hereditary cancer-predisposing syndrome. Also called: Neoplastic Syndromes, Hereditary; Tumor predisposition; Hereditary neoplastic syndrome; Hereditary Cancer Syndrome. Identifiers: Orphanet 140162, MedGen C0027672, MeSH D009386, MONDO:0015356.
Renal cell carcinoma. Identifiers: Orphanet 217071, MedGen C0007134, MeSH D002292, MONDO:0005086, HP:0005584.

gnomAD v4.1: 13 of 1,613,724 alleles (0.00081%); highest among the groups gnomAD compares: Non-Finnish European, 0.001%; no homozygotes.

Submissions (2):

Labcorp Genetics (formerly Invitae), Labcorp
Classification: Uncertain significance for Renal cell carcinoma. Last evaluated: 2024-08-27. Review status: criteria provided, single submitter. Criteria: Invitae Variant Classification Sherloc (09022015). Collection method: clinical testing. Allele origin: germline.
Comment: This sequence change replaces valine, which is neutral and non-polar, with methionine, which is neutral and non-polar, at codon 797 of the MET protein (p.Val797Met). This variant is not present in population databases (gnomAD no frequency). This variant has not been reported in the literature in individuals affected with MET-related conditions. ClinVar contains an entry for this variant (Variation ID: 566229). Invitae Evidence Modeling of protein sequence and biophysical properties (such as structural, functional, and spatial information, amino acid conservation, physicochemical variation, residue mobility, and thermodynamic stability) indicates that this missense variant is not expected to disrupt MET protein function with a negative predictive value of 80%. In summary, the available evidence is currently insufficient to determine the role of this variant in disease. Therefore, it has been classified as a Variant of Uncertain Significance.

Ambry Genetics
Classification: Uncertain significance for Hereditary cancer-predisposing syndrome. Last evaluated: 2024-04-06. Review status: criteria provided, single submitter. Criteria: Ambry Variant Classification Scheme 2023. Collection method: clinical testing. Allele origin: germline.
Comment: The p.V797M variant (also known as c.2389G>A), located in coding exon 9 of the MET gene, results from a G to A substitution at nucleotide position 2389. The valine at codon 797 is replaced by methionine, an amino acid with highly similar properties. This amino acid position is well conserved in available vertebrate species. In addition, the in silico prediction for this alteration is inconclusive. Since supporting evidence is limited at this time, the clinical significance of this alteration remains unclear.